The following is an entry in ClinVar:

NM_000069.3(CACNA1S):c.1959C>T (p.Leu653=)

Gene: CACNA1S (calcium voltage-gated channel subunit alpha1 S; minus strand). Cytogenetic location: 1q32.1.
Variant type: single nucleotide variant.
Coding change: c.1959C>T on transcript NM_000069.3 (MANE Select); coding-DNA position 1959, C replaced by T.
Protein change: p.Leu653=; no amino-acid change (leucine 653 retained).
Molecular consequence: synonymous variant.
Genome position (GRCh38, 1-based): chr1:201,074,610, G>A on the plus strand (C>T on the coding strand, the complement: CACNA1S is on the minus strand). VCF-style: chr1-201074610-G-A. GRCh37 (hg19) VCF-style: chr1-201043738-G-A.
Identifiers: ClinVar variation 1594529 (VCV001594529.10), dbSNP rs1414491241, ClinGen allele CA422688831.
Genomic context (GRCh38, chr1:201,074,610, plus strand): 5'-GGCAGAAGTCAGGCTCTCCGCCTCGGCCAGGTTGTCCACGGCAATGGCCAGGAAGACATT[G>A]AGCAGGATGTCTGAGCGGGTTTAGCTAAGGAGCCTTTGGTTGTAGGTGGAAGGGAGCCTG-3'
Protein context (NP_000060.2, residues 643-663): ILFVCGNYIL[Leu653=]NVFLAIAVDN

ClinVar aggregate classification (germline): Likely benign. Review status: criteria provided, multiple submitters, no conflicts (2 of 4 stars). 3 submissions from 3 submitters: Likely benign (3). Last evaluated 2025-08-21.

Conditions:
Malignant hyperthermia, susceptibility to, 5 (MHS5). Also called: CACNA1S-Related Malignant Hyperthermia Susceptibility. Identifiers: Orphanet 423, MedGen C1866077, MONDO:0011163, OMIM 601887.
Hypokalemic periodic paralysis, type 1. Also called: HypoPP; Hypokalemic Periodic Paralysis Type 1 (AD). Identifiers: Orphanet 681, MedGen C3714580, MONDO:0042979, OMIM 170400.

gnomAD v4.1: 3 of 1,609,244 alleles (0.00019%); highest among the groups gnomAD compares: Admixed American, 0.0017%; no homozygotes.

Submissions (3):

Labcorp Genetics (formerly Invitae), Labcorp
Classification: Likely benign for Hypokalemic periodic paralysis, type 1; Malignant hyperthermia, susceptibility to, 5. Last evaluated: 2025-08-21. Review status: criteria provided, single submitter. Criteria: Invitae Variant Classification Sherloc (09022015). Collection method: clinical testing. Allele origin: germline.

All of Us Research Program, National Institutes of Health
Classification: Likely benign for Malignant hyperthermia, susceptibility to, 5. Last evaluated: 2023-03-23. Review status: criteria provided, single submitter. Criteria: ACMG Guidelines, 2015. Collection method: clinical testing. Allele origin: germline. Inheritance: Autosomal dominant inheritance. Observed: 1 variant allele, 1 heterozygote.
Comment: This study involves interpretation of variants in research participants for the purpose of population health screening. Participant phenotype was not available at the time of variant classification. Additional details can be found in publication PMID: 35346344, PMCID: PMC8962531

Color Diagnostics, LLC DBA Color Health
Classification: Likely benign for Malignant hyperthermia, susceptibility to, 5. Last evaluated: 2022-11-06. Review status: criteria provided, single submitter. Criteria: ACMG Guidelines, 2015. Collection method: clinical testing. Allele origin: germline.